The following is an entry in ClinVar:

ClinVar aggregate classification (germline): Pathogenic. Review status: criteria provided, multiple submitters, no conflicts (2 of 4 stars). 17 submissions from 16 submitters: Pathogenic (16). 1 of the submissions does not count toward it. Last evaluated 2025-11-26.
ClinVar aggregate classification (somatic clinical impact): Tier II - Potential (1 of 4 stars; one submission).

Conditions:
ARID1B-related BAFopathy.
Inborn genetic diseases. Identifiers: MedGen C0950123, MeSH D030342.
Coffin-Siris syndrome 1 (CSS1). Also called: Mental retardation, autosomal dominant 12; ARID1B-Related Coffin-Siris Syndrome. Identifiers: Orphanet 1465, MedGen C3281201, MONDO:0007617, OMIM 135900. Disease mechanism: gain of function.
ARID1B-Related Disorder. Identifiers: MedGen CN381337.
Medulloblastoma WNT activated. Identifiers: MedGen C4331965, MONDO:0850196.

Submissions (21):

Greenwood Genetic Center Diagnostic Laboratories, Greenwood Genetic Center
Classification: Pathogenic for Coffin-Siris syndrome 1. Last evaluated: 2025-11-26. Review status: criteria provided, single submitter. Criteria: ACMG Guidelines, 2015. Collection method: clinical testing. Allele origin: germline. Affected: yes.
Comment: PVS1, PS2, PS4, PM2

Applied Translational Genetics Group, University of Auckland
Classification: Pathogenic for Coffin-Siris syndrome 1. Last evaluated: 2025-10-08. Review status: criteria provided, single submitter. Criteria: ACMG Guidelines, 2015. Collection method: research. Allele origin: de novo. Inheritance: Autosomal dominant inheritance. Affected: yes. Observed: 1 heterozygote.
Comment: NM_001374828.1:c.5239C>T is a nonsense mutation in ARID1B which results in a premature stop codon at position 1747 likely results in an absent or disrupted protein product (PVS1). The variant has been identified as a de novo occurrence in a family without family history, but without confirmation of paternity and maternity (PM6). The variant is absent in the gnomAD population database, as would be expected for a rare genetic condition such as Coffin-Siris syndrome (PM2). In summary, this variant meets criteria to be classified as pathogenic for Coffin-Siris syndrome based on the ACMG/AMP criteria applied: PVS1, PM6, PM2, PP4

Labcorp Genetics (formerly Invitae), Labcorp
Classification: Pathogenic. Last evaluated: 2024-11-27. Review status: criteria provided, single submitter. Criteria: Invitae Variant Classification Sherloc (09022015). Collection method: clinical testing. Allele origin: germline.
Comment: This sequence change creates a premature translational stop signal (p.Arg1624*) in the ARID1B gene. It is expected to result in an absent or disrupted protein product. Loss-of-function variants in ARID1B are known to be pathogenic (PMID: 25674384, 30349098). This variant is not present in population databases (gnomAD no frequency). This premature translational stop signal has been observed in individual(s) with clinical features of Coffin-Siris syndrome (PMID: 27391121; internal data). In at least one individual the variant was observed to be de novo. ClinVar contains an entry for this variant (Variation ID: 503753). For these reasons, this variant has been classified as Pathogenic.

Genetics Laboratory, UDIAT-Centre Diagnòstic, Hospital Universitari Parc Tauli
Classification: Pathogenic for Coffin-Siris syndrome 1. Last evaluated: 2024-10-16. Review status: criteria provided, single submitter. Criteria: ACMG Guidelines, 2015. Collection method: clinical testing. Allele origin: unknown. Inheritance: Autosomal dominant inheritance. Affected: yes.
Comment: PVS1_very strong;PS4_strong;PM2_supporting

Dubai Health Genomic Medicine Center, Dubai Health
Classification: Pathogenic for Coffin-Siris syndrome 1. Last evaluated: 2024-10-04. Review status: criteria provided, single submitter. Criteria: ACMG Guidelines, 2015. Collection method: research. Allele origin: germline. Affected: yes.
Comment: PVS1,PS2, PM2

Institute of Medical Genetics and Applied Genomics, University Hospital Tübingen
Classification: Pathogenic for Coffin-Siris syndrome 1. Last evaluated: 2024-09-05. Review status: criteria provided, single submitter. Criteria: ACMG Guidelines, 2015. Collection method: clinical testing. Allele origin: germline. Inheritance: Autosomal dominant inheritance. Affected: yes.

Ambry Genetics
Classification: Pathogenic for Inborn genetic diseases. Last evaluated: 2023-10-11. Review status: criteria provided, single submitter. Criteria: Ambry Variant Classification Scheme 2023. Collection method: clinical testing. Allele origin: germline.
Comment: The c.4870C>T (p.R1624*) alteration, located in exon 18 (coding exon 18) of the ARID1B gene, consists of a C to T substitution at nucleotide position 4870. This changes the amino acid from a arginine (R) to a stop codon at amino acid position 1624. This alteration is expected to result in loss of function by premature protein truncation or nonsense-mediated mRNA decay. This variant was not reported in population-based cohorts in the Genome Aggregation Database (gnomAD). This variant has been determined to be the result of a de novo mutation in multiple individuals with suspected ARID1B-related Coffin-Siris syndrome (Sekiguchi, 2019; Saleh, 2021). Based on the available evidence, this alteration is classified as pathogenic.

CeGaT Center for Human Genetics Tuebingen
Classification: Pathogenic. Last evaluated: 2023-09-01. Review status: criteria provided, single submitter. Criteria: CeGaT Center For Human Genetics Tuebingen Variant Classification Criteria Version 2. Collection method: clinical testing. Allele origin: germline. Affected: yes. Observed: 1 variant allele.
Comment: ARID1B: PVS1, PM2

GeneDx
Classification: Pathogenic. Last evaluated: 2023-05-15. Review status: criteria provided, single submitter. Criteria: GeneDx Variant Classification Process June 2021. Collection method: clinical testing. Allele origin: germline. Affected: yes.
Comment: Nonsense variant predicted to result in protein truncation or nonsense mediated decay in a gene for which loss-of-function is a known mechanism of disease; Not observed at significant frequency in large population cohorts (gnomAD); This variant is associated with the following publications: (PMID: 34440449, 30440138, 27391121, 30349098, 28191889)

Institute for Genomic Medicine (IGM) Clinical Laboratory, Nationwide Children's Hospital
Classification: Tier II - Potential for Medulloblastoma WNT activated. Assertion type: diagnostic. Clinical significance: supports diagnosis. Last evaluated: 2022-10-24. Review status: criteria provided, single submitter. Criteria: AMP/ASCO/CAP Guidelines, 2017. Collection method: clinical testing. Allele origin: somatic. Affected: yes.
Comment: Variant has Tier II (potential) clinical significance as a diagnostic inclusion criterion in medulloblastoma WNT activated, based on the following evidence: 1) Documented in one or more cancer databases (e.g., St. Jude Pecan, COSMIC, CIViC, OncoKB). 2) Diagnostic significance based on multiple small studies (Evidence Level C; PMIDs: 21163964, 22832583, 22820256, 28726821).

Blueprint Genetics
Classification: Pathogenic for ARID1B-related disorders. Last evaluated: 2022-10-04. Review status: criteria provided, single submitter. Criteria: ACMG Guidelines, 2015. Collection method: clinical testing. Allele origin: germline. Affected: yes. Observed: 2 variant alleles.

Department of Genetics, Rouen University Hospital, Normandy Center for Genomic and Personalized Medicine
Classification: Pathogenic for Coffin-Siris syndrome 1. Last evaluated: 2022-01-16. Review status: criteria provided, single submitter. Criteria: ACMG Guidelines, 2015. Collection method: clinical testing. Allele origin: de novo. Affected: yes.

Genome-Nilou Lab
Classification: Pathogenic for Coffin-Siris syndrome 1. Last evaluated: 2021-07-15. Review status: criteria provided, single submitter. Criteria: ACMG Guidelines, 2015. Collection method: clinical testing. Allele origin: germline. Affected: no.

Baylor Genetics
Classification: Pathogenic for ARID1B-related BAFopathy. Last evaluated: 2021-06-10. Review status: criteria provided, single submitter. Criteria: ACMG Guidelines, 2015. Collection method: clinical testing. Allele origin: de novo. Affected: yes.

HudsonAlpha Institute for Biotechnology
Classification: Pathogenic for Coffin-Siris syndrome 1. Last evaluated: 2018-07-03. Review status: criteria provided, single submitter. Criteria: ACMG Guidelines, 2015. Collection method: research. Allele origin: de novo. Affected: yes. Observed: 1 variant allele. Study: PGEN-HudsonAlpha.

Clinical Genetics and Genomics, Karolinska University Hospital
Classification: Pathogenic. Last evaluated: 2017-11-13. Review status: criteria provided, single submitter. Criteria: ACMG Guidelines, 2015. Collection method: clinical testing. Allele origin: germline. Affected: yes. Observed: 1 variant allele.

Baylor Genetics
Classification: Pathogenic for Coffin-Siris syndrome 1. Last evaluated: 2017-09-01. Review status: criteria provided, single submitter. Criteria: ACMG Guidelines, 2015. Collection method: clinical testing. Allele origin: de novo. Inheritance: Autosomal dominant inheritance. Affected: yes.
Comment: This nonsense mutation is categorized as deleterious according to ACMG guidelines (PMID:18414213).

Clinical Genomics Laboratory, Stanford Medicine
Classification: Pathogenic for Coffin-Siris syndrome 1. Last evaluated: 2021-04-29. Review status: no assertion criteria provided. Collection method: clinical testing. Allele origin: germline. Inheritance: Autosomal dominant inheritance. Affected: yes. Observed: 1 heterozygote. Not counted in ClinVar's aggregate classification.
Comment: The p.Arg1707* variant in the ARID1B gene has been previously reported in at least 4 individuals with intellectual disability and/or a phenotype consistent with Coffin-Siris syndrome (Al-Shamsi et al., 2016; Gao et al., 2018; van der Sluijs et al., 2019). Note that this variant is referred to as p.Arg1624* in the literature. This variant was absent from large population databases, including the Genome Aggregation Database. The p.Arg1707* variant leads to a premature stop codon in exon 18 of 20 exons, and is therefore predicted to undergo nonsense-mediated decay resulting in a truncated or absent protein. Heterozygous loss of function is an established mechanism of disease for the ARID1B gene. These data were assessed using the ACMG/AMP variant interpretation guidelines. In summary, there is sufficient evidence to classify the p.Arg1707* variant as pathogenic for autosomal dominant ARID1B-related disorder based on the information above. [ACMG evidence codes used: PVS1; PS2; PM2]

Dr. Peter K. Rogan Lab, Western University
No classification provided (evidence only). Condition: Squamous cell carcinoma of the head and neck. Review status: no classification provided. Collection method: in vitro. Allele origin: not applicable. Functional consequence: retained intron. Not counted in ClinVar's aggregate classification.

Dr. Peter K. Rogan Lab, Western University
No classification provided (evidence only). Condition: Cervical cancer. Review status: no classification provided. Collection method: in vitro. Allele origin: not applicable. Functional consequence: retained intron. Not counted in ClinVar's aggregate classification.

Dr. Peter K. Rogan Lab, Western University
No classification provided (evidence only). Condition: Cervical cancer. Review status: no classification provided. Collection method: in vitro. Allele origin: not applicable. Functional consequence: retained intron. Not counted in ClinVar's aggregate classification.

Literature cited by the submitters: PubMed 40756852 (cited by Applied Translational Genetics Group, University of Auckland); PubMed 25674384 (cited by Labcorp Genetics (formerly Invitae), Labcorp); PubMed 30349098 (cited by Labcorp Genetics (formerly Invitae), Labcorp); PubMed 27391121 (cited by Labcorp Genetics (formerly Invitae), Labcorp and Ambry Genetics); PubMed 31530938 (cited by Ambry Genetics); PubMed 34374989 (cited by Ambry Genetics); PubMed 21163964 (cited by Institute for Genomic Medicine (IGM) Clinical Laboratory, Nationwide Children's Hospital); PubMed 22832583 (cited by Institute for Genomic Medicine (IGM) Clinical Laboratory, Nationwide Children's Hospital); PubMed 22820256 (cited by Institute for Genomic Medicine (IGM) Clinical Laboratory, Nationwide Children's Hospital); PubMed 28726821 (cited by Institute for Genomic Medicine (IGM) Clinical Laboratory, Nationwide Children's Hospital); PubMed 25326635 (cited by Baylor Genetics).

NM_001374828.1(ARID1B):c.5239C>T (p.Arg1747Ter)

Gene: ARID1B (AT-rich interaction domain 1B; plus strand). Cytogenetic location: 6q25.3.
Variant type: single nucleotide variant.
Coding change: c.5239C>T on transcript NM_001374828.1 (MANE Select); coding-DNA position 5239, C replaced by T.
Protein change: p.Arg1747Ter; replaces arginine 1747 with a stop codon.
Molecular consequence: nonsense.
Genome position (GRCh38, 1-based): chr6:157,201,464, C>T. VCF-style: chr6-157201464-C-T. GRCh37 (hg19) VCF-style: chr6-157522598-C-T.
Other names: p.Arg1707*; c.4831C>T (NM_017519.2); c.4870C>T, p.Arg1624Ter (NM_020732.3); c.2740C>T, p.Arg914Ter (NM_001363725.2); c.5119C>T, p.Arg1707Ter (NM_001371656.1, NM_001374820.1); c.5080C>T, p.Arg1694Ter (NM_017519.3); short protein forms R1624*, R914*, R1694*, R1707*, R1747*.
Identifiers: ClinVar variation 503753 (VCV000503753.56), dbSNP rs1554236040, ClinGen allele CA366243193.